The following is an entry in ClinVar:

ClinVar aggregate classification (germline): Benign/Likely benign. Review status: criteria provided, multiple submitters, no conflicts (2 of 4 stars). 3 submissions from 3 submitters: Benign (1); Likely benign (2). Last evaluated 2025-12-29.

Conditions:
Primary dilated cardiomyopathy (DCM). Also called: Dilated Cardiomyopathy. Identifiers: Orphanet 217604, MedGen C0007193, MeSH D002311, MONDO:0005021, HP:0001644. Inheritance: Various modes of inheritance.

Allele frequency attached by ClinVar (database versions not stated): ESP Exome Variant Server 0.00016; gnomAD 0.00021 and 0.00031; TOPMed 0.00037; ExAC 0.00054; 1000 Genomes Project 30x 0.00156; 1000 Genomes Project 0.00180.
gnomAD v4.1: 343 of 1,612,332 alleles (0.021%); highest among the groups gnomAD compares: East Asian, 0.28%; 1 homozygote.

Submissions (3):

Labcorp Genetics (formerly Invitae), Labcorp
Classification: Benign for Primary dilated cardiomyopathy. Last evaluated: 2025-12-29. Review status: criteria provided, single submitter. Criteria: Invitae Variant Classification Sherloc (09022015). Collection method: clinical testing. Allele origin: germline.

Blueprint Genetics
Classification: Likely benign. Last evaluated: 2024-07-10. Review status: criteria provided, single submitter. Criteria: ACMG Guidelines, 2015. Collection method: clinical testing. Allele origin: germline.

GeneDx
Classification: Likely benign. Last evaluated: 2018-01-03. Review status: criteria provided, single submitter. Criteria: GeneDx Variant Classification (06012015). Collection method: clinical testing. Allele origin: germline. Affected: yes.
Comment: This variant is considered likely benign or benign based on one or more of the following criteria: it is a conservative change, it occurs at a poorly conserved position in the protein, it is predicted to be benign by multiple in silico algorithms, and/or has population frequency not consistent with disease.

NM_006440.5(TXNRD2):c.1086+12G>A

Gene: TXNRD2 (thioredoxin reductase 2; minus strand). Cytogenetic location: 22q11.21.
Variant type: single nucleotide variant.
Coding change: c.1086+12G>A on transcript NM_006440.5 (MANE Select); 12 bases into the intron after coding-DNA position 1086, G replaced by A.
Molecular consequence: intron variant.
Genome position (GRCh38, 1-based): chr22:19,883,313, C>T on the plus strand (G>A on the coding strand, the complement: TXNRD2 is on the minus strand). VCF-style: chr22-19883313-C-T. GRCh37 (hg19) VCF-style: chr22-19870836-C-T.
Other names: c.1083+12G>A (NM_001352300.2); c.798+12G>A (NM_001352302.2); c.996+12G>A (NM_001352301.2).
Identifiers: ClinVar variation 514550 (VCV000514550.10), dbSNP rs143966577, ClinGen allele CA10103837.